The following is an entry in ClinVar:

ClinVar aggregate classification (germline): Uncertain significance (1 of 4 stars; one submission).

Submission:

CeGaT Center for Human Genetics Tuebingen
Classification: Uncertain significance. Last evaluated: 2024-06-01. Review status: criteria provided, single submitter. Criteria: CeGaT Center For Human Genetics Tuebingen Variant Classification Criteria Version 2. Collection method: clinical testing. Allele origin: germline. Affected: yes. Observed: 1 variant allele.
Comment: SOX3: PM2, BP3

NM_005634.3(SOX3):c.870GCC[5] (p.Pro294_Ala295insPro)

Gene: SOX3 (SRY-box transcription factor 3; minus strand). Cytogenetic location: Xq27.1.
Variant type: Microsatellite.
Coding change: c.870GCC[5] on transcript NM_005634.3 (MANE Select); five copies in a row of the 3-base unit GCC starting at c.870; the reference has four copies in a row; one copy, 3 bases duplicated.
Protein change: p.Pro294_Ala295insPro.
Molecular consequence: inframe insertion.
Genome position (GRCh38, 1-based): chrX:140,504,180-140,504,182, GGC duplicated on the plus strand (GCC on the coding strand, the reverse complement: SOX3 is on the minus strand); duplicating any 3 consecutive bases within chrX:140,504,180-140,504,193 gives the same sequence; the position shown is the placement nearest the transcript's 3' end. VCF-style (leftmost placement, unchanged base first): chrX-140504179-G-GGGC. GRCh37 (hg19) VCF-style: chrX-139586344-G-GGGC.
Identifiers: ClinVar variation 3250731 (VCV003250731.18), dbSNP rs780865346.
Genomic context (GRCh38, chrX:140,504,179, plus strand): 5'-CGGCATCATTGGGCTGTACTGCAGGCCGGCCATGTCGTAGCGGTGCATCGGCGGCAGCGC[G>GGGC]GGCGGCGGCGGCGGGCTGCTCATGCTCGGGGGCTGCGCGTAGCCCAGCTGCTCCTGCACC-3'